The following is an entry in ClinVar:

NM_000094.4(COL7A1):c.1153T>G (p.Leu385Val)

Gene: COL7A1 (collagen type VII alpha 1 chain; minus strand). Cytogenetic location: 3p21.31.
Variant type: single nucleotide variant.
Coding change: c.1153T>G on transcript NM_000094.4 (MANE Select); coding-DNA position 1153, T replaced by G.
Protein change: p.Leu385Val; replaces leucine 385 with valine.
Molecular consequence: missense variant.
Genome position (GRCh38, 1-based): chr3:48,592,189, A>C on the plus strand (T>G on the coding strand, the complement: COL7A1 is on the minus strand). VCF-style: chr3-48592189-A-C. GRCh37 (hg19) VCF-style: chr3-48629622-A-C.
Other names: short protein forms L385V.
Identifiers: ClinVar variation 3008077 (VCV003008077.3), dbSNP rs919902454, ClinGen allele CA73992291.
Genomic context (GRCh38, chr3:48,592,189, plus strand): 5'-GCCCCACACTGCGGCCAAATAGGGTGCTCACGGTCACCTCATAGTCCGTGCCAGGCTCCA[A>C]GTCACGCAGCAACACTGAACCCTGCCCAGGGCCCAGCTCCTGCTGCTGTGTGGGCCCACC-3'
Protein context (NP_000085.1, residues 375-395): PGQGSVLLRD[Leu385Val]EPGTDYEVTV

ClinVar aggregate classification (germline): Uncertain significance (1 of 4 stars; one submission).

Allele frequency attached by ClinVar (database versions not stated): TOPMed below 0.00001.

Submission:

Labcorp Genetics (formerly Invitae), Labcorp
Classification: Uncertain significance. Last evaluated: 2023-11-04. Review status: criteria provided, single submitter. Criteria: Invitae Variant Classification Sherloc (09022015). Collection method: clinical testing. Allele origin: germline.
Comment: This sequence change replaces leucine, which is neutral and non-polar, with valine, which is neutral and non-polar, at codon 385 of the COL7A1 protein (p.Leu385Val). This variant is not present in population databases (gnomAD no frequency). This variant has not been reported in the literature in individuals affected with COL7A1-related conditions. Advanced modeling of protein sequence and biophysical properties (such as structural, functional, and spatial information, amino acid conservation, physicochemical variation, residue mobility, and thermodynamic stability) performed at Invitae indicates that this missense variant is not expected to disrupt COL7A1 protein function with a negative predictive value of 95%. In summary, the available evidence is currently insufficient to determine the role of this variant in disease. Therefore, it has been classified as a Variant of Uncertain Significance.